The following is an entry in ClinVar:

Conditions:
Breast-ovarian cancer, familial, susceptibility to, 1 (BROVCA1). Also called: BRCA1 Hereditary Breast and Ovarian Cancer; OVARIAN CANCER, SUSCEPTIBILITY TO. Identifiers: Orphanet 145, MedGen C2676676, MONDO:0011450, OMIM 604370. Disease mechanism: loss of function.

Submission:

Brotman Baty Institute, University of Washington
No classification provided (evidence only). Condition: Breast-ovarian cancer, familial 1. Review status: no classification provided. Collection method: in vitro. Allele origin: not applicable. Functional consequence: functionally_normal.
ClinVar note: "not provided" was previously submitted as the classification for the variant. However, the classification appeared to be based only on an observation of functional data so it was converted to no classification on 2025-07-30.

NM_007294.4(BRCA1):c.4959G>T (p.Val1653=)

Gene: BRCA1 (BRCA1 DNA repair associated; minus strand). Cytogenetic location: 17q21.31.
Variant type: single nucleotide variant.
Coding change: c.4959G>T on transcript NM_007294.4 (MANE Select); coding-DNA position 4959, G replaced by T.
Protein change: p.Val1653=; no amino-acid change (valine 1653 retained).
Molecular consequence: synonymous variant. On other transcripts: intron variant (1).
Genome position (GRCh38, 1-based): chr17:43,070,955, C>A on the plus strand (G>T on the coding strand, the complement: BRCA1 is on the minus strand). VCF-style: chr17-43070955-C-A. GRCh37 (hg19) VCF-style: chr17-41222972-C-A.
Other names: c.4959G>T, p.Val1653= (NM_001407593.1, NM_001407594.1, NM_001407596.1 and 8 more transcripts); c.4956G>T, p.Val1652= (NM_001407610.1, NM_001407611.1, NM_001407612.1 and 17 more transcripts); c.4953G>T, p.Val1651= (NM_001407627.1, NM_001407628.1, NM_001407629.1 and 14 more transcripts); c.4950G>T, p.Val1650= (NM_001407644.1, NM_001407645.1); c.4947G>T, p.Val1649= (NM_001407646.1); c.4944G>T, p.Val1648= (NM_001407647.1); c.4902G>T, p.Val1634= (NM_001407648.1); c.4899G>T, p.Val1633= (NM_001407649.1); and 71 more.
Identifiers: ClinVar variation 865461 (VCV000865461.3), dbSNP rs878854955, ClinGen allele CA500231570.